The following is an entry in ClinVar:

ClinVar aggregate classification (germline): Pathogenic. Review status: criteria provided, multiple submitters, no conflicts (2 of 4 stars). 2 submissions from 2 submitters: Pathogenic (2). Last evaluated 2024-02-16.

Conditions:
Leber congenital amaurosis 9 (LCA9). Also called: LCA9 Leber Congenital Amaurosis; LCA 9; Amaurosis congenita of Leber, type 9. Identifiers: Orphanet 65, MedGen C1837873, MONDO:0012056, OMIM 608553.

Allele frequency attached by ClinVar (database versions not stated): gnomAD exomes below 0.00001; TOPMed below 0.00001.
gnomAD v4.1: 1 of 1,597,664 alleles (0.000063%); highest among the groups gnomAD compares: East Asian, 0.0022%; no homozygotes.

Submissions (2):

3billion
Classification: Pathogenic for Leber congenital amaurosis 9. Last evaluated: 2024-02-16. Review status: criteria provided, single submitter. Criteria: ACMG Guidelines, 2015. Collection method: clinical testing. Allele origin: germline. Affected: yes.
Comment: The variant is observed at an extremely low frequency in the gnomAD v2.1.1 dataset (total allele frequency: <0.001%). Predicted Consequence/Location: Canonical splice site: predicted to alter splicing and result in a loss or disruption of normal protein function. Multiple pathogenic loss-of-function variants are reported downstream of the variant. The variant has been reported to be associated with NMNAT1 related disorder (ClinVar ID: VCV001435359 /PMID: 26047050 /3billion dataset). Therefore, this variant is classified as Pathogenic according to the recommendation of ACMG/AMP guideline.

Labcorp Genetics (formerly Invitae), Labcorp
Classification: Pathogenic for Leber congenital amaurosis 9. Last evaluated: 2021-11-01. Review status: criteria provided, single submitter. Criteria: Invitae Variant Classification Sherloc (09022015). Collection method: clinical testing. Allele origin: germline.
Comment: This sequence change affects an acceptor splice site in intron 2 of the NMNAT1 gene. It is expected to disrupt RNA splicing. Variants that disrupt the donor or acceptor splice site typically lead to a loss of protein function (PMID: 16199547), and loss-of-function variants in NMNAT1 are known to be pathogenic (PMID: 22842229). This variant is present in population databases (no rsID available, gnomAD 0.006%). Disruption of this splice site has been observed in individuals with leber congenital amaurosis (PMID: 3691693, 26047050). Algorithms developed to predict the effect of sequence changes on RNA splicing suggest that this variant may disrupt the consensus splice site. For these reasons, this variant has been classified as Pathogenic.

Literature cited by the submitters: PubMed 26047050 (cited by 3billion and Labcorp Genetics (formerly Invitae), Labcorp); PubMed 16199547 (cited by Labcorp Genetics (formerly Invitae), Labcorp); PubMed 22842229 (cited by Labcorp Genetics (formerly Invitae), Labcorp); PubMed 3691693 (cited by Labcorp Genetics (formerly Invitae), Labcorp).

NM_022787.4(NMNAT1):c.116-2A>G

Gene: NMNAT1 (nicotinamide nucleotide adenylyltransferase 1; plus strand). Cytogenetic location: 1p36.22.
Variant type: single nucleotide variant.
Coding change: c.116-2A>G on transcript NM_022787.4 (MANE Select); the canonical splice acceptor site of the intron before coding-DNA position 116, A replaced by G.
Molecular consequence: splice acceptor variant.
Genome position (GRCh38, 1-based): chr1:9,975,590, A>G. VCF-style: chr1-9975590-A-G. GRCh37 (hg19) VCF-style: chr1-10035648-A-G.
Other names: c.116-2A>G (NM_001297778.1, NM_001297779.2).
Identifiers: ClinVar variation 1435359 (VCV001435359.7), dbSNP rs1204470176, ClinGen allele CA338684127.